The following is an entry in ClinVar:

ClinVar aggregate classification (germline): Conflicting classifications of pathogenicity. Review status: criteria provided, conflicting classifications (1 of 4 stars). 2 submissions from 2 submitters: Uncertain significance (1); Likely benign (1). Last evaluated 2023-12-05.

Conditions:
Hereditary cancer-predisposing syndrome. Also called: Neoplastic Syndromes, Hereditary; Tumor predisposition; Hereditary Cancer Syndrome; Hereditary neoplastic syndrome. Identifiers: Orphanet 140162, MedGen C0027672, MeSH D009386, MONDO:0015356.

Submissions (2):

Color Diagnostics, LLC DBA Color Health
Classification: Uncertain significance for Hereditary cancer-predisposing syndrome. Last evaluated: 2023-12-05. Review status: criteria provided, single submitter. Criteria: ACMG Guidelines, 2015. Collection method: clinical testing. Allele origin: germline.
Comment: This missense variant replaces glutamic acid with alanine at codon 2002 of the BRCA2 protein. Computational prediction tools and conservation analyses are inconclusive regarding the impact of this variant on the protein function. Computational splicing tools suggest that this variant may not impact RNA splicing. To our knowledge, functional assays have not been performed for this variant nor has this variant been reported in individuals affected with hereditary cancer in the literature. This variant has not been identified in the general population by the Genome Aggregation Database (gnomAD). Available evidence is insufficient to determine the role of this variant in disease conclusively. Therefore, this variant is classified as a Variant of Uncertain Significance.

University of Washington Department of Laboratory Medicine, University of Washington
Classification: Likely benign for Hereditary cancer-predisposing syndrome. Last evaluated: 2023-03-23. Review status: criteria provided, single submitter. Criteria: Dines et al. (Genet Med. 2020). Collection method: curation. Allele origin: germline.
Comment: Missense variant in a coldspot region where missense variants are very unlikely to be pathogenic (PMID:31911673).

BRCA2 exon 11 coldspot. Reclassification based on statistical prior probability.

NM_000059.4(BRCA2):c.6005A>C (p.Glu2002Ala)

Gene: BRCA2 (BRCA2 DNA repair associated; plus strand). Cytogenetic location: 13q13.1.
Variant type: single nucleotide variant.
Coding change: c.6005A>C on transcript NM_000059.4 (MANE Select); coding-DNA position 6005, A replaced by C.
Protein change: p.Glu2002Ala; replaces glutamic acid 2002 with alanine.
Molecular consequence: missense variant.
Genome position (GRCh38, 1-based): chr13:32,340,360, A>C. VCF-style: chr13-32340360-A-C. GRCh37 (hg19) VCF-style: chr13-32914497-A-C.
Other names: short protein forms E2002A.
Identifiers: ClinVar variation 923149 (VCV000923149.7), dbSNP rs2072543965, ClinGen allele CA387787685.